The following is an entry in ClinVar:

NM_001110556.2(FLNA):c.2614G>A (p.Ala872Thr)

Gene: FLNA (filamin A; minus strand). Cytogenetic location: Xq28.
Variant type: single nucleotide variant.
Coding change: c.2614G>A on transcript NM_001110556.2 (MANE Select); coding-DNA position 2614, G replaced by A.
Protein change: p.Ala872Thr; replaces alanine 872 with threonine.
Molecular consequence: missense variant.
Genome position (GRCh38, 1-based): chrX:154,362,284, C>T on the plus strand (G>A on the coding strand, the complement: FLNA is on the minus strand). VCF-style: chrX-154362284-C-T. GRCh37 (hg19) VCF-style: chrX-153590652-C-T.
Other names: p.Ala872Thr; c.2614G>A, p.Ala872Thr (NM_001456.4); short protein forms A872T.
Identifiers: ClinVar variation 663326 (VCV000663326.16), dbSNP rs185503240, ClinGen allele CA10560879.

ClinVar aggregate classification (germline): Conflicting classifications of pathogenicity. Review status: criteria provided, conflicting classifications (1 of 4 stars). 4 submissions from 4 submitters: Uncertain significance (3); Benign (1). Last evaluated 2025-06-29.

Conditions:
Melnick-Needles syndrome (MNS). Also called: MELNICK-NEEDLES OSTEODYSPLASTY; Melnick-Needles Syndrome (FLNA-MNS); OSTEODYSPLASTY OF MELNICK AND NEEDLES. Identifiers: Orphanet 2484, MedGen C0025237, MONDO:0010650, OMIM 309350.
Frontometaphyseal dysplasia (FMD1). Identifiers: Orphanet 1826, MedGen C0265293, MONDO:0015942.
Heterotopia, periventricular, X-linked dominant (PVNH1). Also called: X-linked periventricular heterotopia; PERIVENTRICULAR NODULAR HETEROTOPIA 4; HETEROTOPIA, PERIVENTRICULAR, 1; PERIVENTRICULAR NODULAR HETEROTOPIA 1. Identifiers: Orphanet 2149, Orphanet 82004, MedGen C1848213, MONDO:0010233, OMIM 300049.
Oto-palato-digital syndrome, type II (OPD2). Also called: FACIOPALATOOSSEOUS SYNDROME; Otopalatodigital Syndrome, Type II; Otopalatodigital Syndrome Type 2 (FLNA-OPD2); OPD II SYNDROME. Identifiers: Orphanet 669, Orphanet 90652, MedGen C1844696, MONDO:0010571, OMIM 304120.
Familial thoracic aortic aneurysm and aortic dissection (TAAD). Also called: Thoracic aortic aneurysms and dissections. Identifiers: Orphanet 91387, MedGen C4707243, MONDO:0019625.

Allele frequency attached by ClinVar (database versions not stated): gnomAD exomes 0.00002; ExAC 0.00003; gnomAD 0.00006 and 0.00008; TOPMed 0.00007; 1000 Genomes Project 30x 0.00021; 1000 Genomes Project 0.00026.
gnomAD v4.1: 17 of 1,209,838 alleles (0.0014%); highest among the groups gnomAD compares: African/African-American, 0.017%; no homozygotes.

Submissions (4):

Labcorp Genetics (formerly Invitae), Labcorp
Classification: Benign for Oto-palato-digital syndrome, type II; Heterotopia, periventricular, X-linked dominant; Frontometaphyseal dysplasia; Melnick-Needles syndrome. Last evaluated: 2025-06-29. Review status: criteria provided, single submitter. Criteria: Invitae Variant Classification Sherloc (09022015). Collection method: clinical testing. Allele origin: germline.

Mayo Clinic Laboratories, Mayo Clinic
Classification: Uncertain significance. Last evaluated: 2025-01-19. Review status: criteria provided, single submitter. Criteria: ACMG Guidelines, 2015. Collection method: clinical testing. Allele origin: germline. Observed: 1 variant allele.
Comment: PP2, PP3

Ambry Genetics
Classification: Uncertain significance for Familial thoracic aortic aneurysm and aortic dissection. Last evaluated: 2024-05-29. Review status: criteria provided, single submitter. Criteria: Ambry Variant Classification Scheme 2023. Collection method: clinical testing. Allele origin: germline.
Comment: The p.A872T variant (also known as c.2614G>A), located in coding exon 17 of the FLNA gene, results from a G to A substitution at nucleotide position 2614. The alanine at codon 872 is replaced by threonine, an amino acid with similar properties. Based on data from gnomAD, the A allele has an overall frequency of 0.0025% (5/203047) total alleles studied, with 0 hemizygote(s) observed. The highest observed frequency was 0.0219% (4/18264) of African alleles. This amino acid position is highly conserved in available vertebrate species. In addition, this alteration is predicted to be deleterious by in silico analysis. Since supporting evidence is limited at this time, the clinical significance of this alteration remains unclear.

Blueprint Genetics
Classification: Uncertain significance. Last evaluated: 2021-12-16. Review status: criteria provided, single submitter. Criteria: ACMG Guidelines, 2015. Collection method: clinical testing. Allele origin: germline.